The following is an entry in ClinVar:

ClinVar aggregate classification (germline): Uncertain significance. Review status: criteria provided, multiple submitters, no conflicts (2 of 4 stars). 2 submissions from 2 submitters: Uncertain significance (2). Last evaluated 2025-12-09.

Allele frequency attached by ClinVar (database versions not stated): gnomAD exomes below 0.00001 and 0.00001; ExAC 0.00002; TOPMed 0.00008; gnomAD 0.00010 and 0.00011.
gnomAD v4.1: 19 of 1,590,010 alleles (0.0012%); highest among the groups gnomAD compares: African/African-American, 0.023%; no homozygotes.

Submissions (2):

Labcorp Genetics (formerly Invitae), Labcorp
Classification: Uncertain significance. Last evaluated: 2025-12-09. Review status: criteria provided, single submitter. Criteria: Invitae Variant Classification Sherloc (09022015). Collection method: clinical testing. Allele origin: germline.
Comment: This sequence change replaces isoleucine, which is neutral and non-polar, with methionine, which is neutral and non-polar, at codon 110 of the RELA protein (p.Ile110Met). This variant is present in population databases (rs779601305, gnomAD 0.01%). This variant has not been reported in the literature in individuals affected with RELA-related conditions. ClinVar contains an entry for this variant (Variation ID: 1506881). An algorithm developed to predict the effect of missense changes on protein structure and function (PolyPhen-2) suggests that this variant is likely to be disruptive. In summary, the available evidence is currently insufficient to determine the role of this variant in disease. Therefore, it has been classified as a Variant of Uncertain Significance.

Ambry Genetics
Classification: Uncertain significance. Last evaluated: 2022-11-10. Review status: criteria provided, single submitter. Criteria: Ambry Variant Classification Scheme 2023. Collection method: clinical testing. Allele origin: germline.

NM_021975.4(RELA):c.330C>G (p.Ile110Met)

Gene: RELA (RELA proto-oncogene, NF-kB subunit; minus strand). Cytogenetic location: 11q13.1.
Variant type: single nucleotide variant.
Coding change: c.330C>G on transcript NM_021975.4 (MANE Select); coding-DNA position 330, C replaced by G.
Protein change: p.Ile110Met; replaces isoleucine 110 with methionine.
Molecular consequence: missense variant.
Genome position (GRCh38, 1-based): chr11:65,661,692, G>C on the plus strand (C>G on the coding strand, the complement: RELA is on the minus strand). VCF-style: chr11-65661692-G-C. GRCh37 (hg19) VCF-style: chr11-65429163-G-C.
Other names: c.330C>G, p.Ile110Met (NM_001145138.2, NM_001243984.2, NM_001243985.2); c.330C>G (NM_021975.3); short protein forms I110M.
Identifiers: ClinVar variation 1506881 (VCV001506881.9), dbSNP rs779601305, ClinGen allele CA6106930.
Genomic context (GRCh38, chr11:65,661,692, plus strand): 5'-CATAGCCCGCCTCCTGTCCCCTCATGCTGGGCCTCCTAGCCTGCAGGGACCTCACCTGTG[G>C]ATGCAGCGGTCCGGGCAGAGCTCAGCCTCATAGAAGCCATCCCGGCAGTCCTTTCCTACA-3'
Protein context (NP_068810.3, residues 100-120): YEAELCPDRC[Ile110Met]HSFQNLGIQC